The following is an entry in ClinVar:

ClinVar aggregate classification (germline): Benign (1 of 4 stars; one submission).

Conditions:
Giant axonal neuropathy 1 (GAN1). Also called: GAN-Related Neurodegeneration; GIANT AXONAL NEUROPATHY 1, AUTOSOMAL RECESSIVE. Identifiers: Orphanet 643, MedGen C1850386, MONDO:0009749, OMIM 256850.

Allele frequency attached by ClinVar (database versions not stated): gnomAD exomes 0.00948; gnomAD 0.01472; TOPMed 0.01719; 1000 Genomes Project 30x 0.02842; 1000 Genomes Project 0.02975.
gnomAD v4.1: 2,284 of 152,496 alleles (1.5%); highest among the groups gnomAD compares: East Asian, 7.5%; 43 homozygotes.

Submission:

Illumina Laboratory Services, Illumina
Classification: Benign for Giant axonal neuropathy 1. Last evaluated: 2018-01-12. Review status: criteria provided, single submitter. Criteria: ICSL Variant Classification Criteria 13 December 2019. Collection method: clinical testing. Allele origin: germline.
Comment: This variant was observed in the ICSL laboratory as part of a predisposition screen in an ostensibly healthy population. It had not been previously curated by ICSL or reported in the Human Gene Mutation Database (HGMD: prior to June 1st, 2018), and was therefore a candidate for classification through an automated scoring system. Utilizing variant allele frequency, disease prevalence and penetrance estimates, and inheritance mode, an automated score was calculated to assess if this variant is too frequent to cause the disease. Based on the score and internal cut-off values, a variant classified as benign is not then subjected to further curation. The score for this variant resulted in a classification of benign for this disease.

NM_022041.4(GAN):c.*1273G>C

Gene: GAN (gigaxonin; plus strand). Cytogenetic location: 16q23.2.
Variant type: single nucleotide variant.
Coding change: c.*1273G>C on transcript NM_022041.4 (MANE Select); 1273 bases downstream of the stop codon, G replaced by C.
Molecular consequence: 3 prime UTR variant.
Genome position (GRCh38, 1-based): chr16:81,378,869, G>C. VCF-style: chr16-81378869-G-C. GRCh37 (hg19) VCF-style: chr16-81412474-G-C.
Other names: c.*1273G>C (NM_001377486.1).
Identifiers: ClinVar variation 320689 (VCV000320689.5), dbSNP rs75176423, ClinGen allele CA10644336.